The following is an entry in ClinVar:

NM_001367549.1(ATP13A3):c.1870C>T (p.Arg624Cys)

Gene: ATP13A3 (ATPase 13A3; minus strand). Cytogenetic location: 3q29.
Variant type: single nucleotide variant.
Coding change: c.1870C>T on transcript NM_001367549.1 (MANE Select); coding-DNA position 1870, C replaced by T.
Protein change: p.Arg624Cys; replaces arginine 624 with cysteine.
Molecular consequence: missense variant. On other transcripts: non-coding transcript variant (2).
Genome position (GRCh38, 1-based): chr3:194,437,440, G>A on the plus strand (C>T on the coding strand, the complement: ATP13A3 is on the minus strand). VCF-style: chr3-194437440-G-A. GRCh37 (hg19) VCF-style: chr3-194158169-G-A.
Other names: c.1789C>T, p.Arg597Cys (NM_001374836.1); c.1870C>T, p.Arg624Cys (NM_024524.4); c.1870C>T (NM_024524.3); short protein forms R597C, R624C.
Identifiers: ClinVar variation 1447381 (VCV001447381.7), dbSNP rs375504912, ClinGen allele CA90598070.

ClinVar aggregate classification (germline): Uncertain significance. Review status: criteria provided, multiple submitters, no conflicts (2 of 4 stars). 2 submissions from 2 submitters: Uncertain significance (2). Last evaluated 2025-01-29.

Allele frequency attached by ClinVar (database versions not stated): gnomAD exomes 0.00002; ESP Exome Variant Server 0.00008.
gnomAD v4.1: 28 of 1,613,992 alleles (0.0017%); highest among the groups gnomAD compares: East Asian, 0.0045%; no homozygotes.

Submissions (2):

Ambry Genetics
Classification: Uncertain significance. Last evaluated: 2025-01-29. Review status: criteria provided, single submitter. Criteria: Ambry Variant Classification Scheme 2023. Collection method: clinical testing. Allele origin: germline.

Labcorp Genetics (formerly Invitae), Labcorp
Classification: Uncertain significance. Last evaluated: 2021-08-11. Review status: criteria provided, single submitter. Criteria: Invitae Variant Classification Sherloc (09022015). Collection method: clinical testing. Allele origin: germline.
Comment: In summary, the available evidence is currently insufficient to determine the role of this variant in disease. Therefore, it has been classified as a Variant of Uncertain Significance. Algorithms developed to predict the effect of missense changes on protein structure and function are either unavailable or do not agree on the potential impact of this missense change (SIFT: "Deleterious"; PolyPhen-2: "Benign"; Align-GVGD: "Class C55"). This missense change has been observed in individual(s) with clinical features of pulmonary arterial hypertension (Invitae). This variant is not present in population databases (ExAC no frequency). This sequence change replaces arginine with cysteine at codon 624 of the ATP13A3 protein (p.Arg624Cys). The arginine residue is highly conserved and there is a large physicochemical difference between arginine and cysteine.